The following is an entry in ClinVar:

NC_000007.14:g.(?_117509024)_(117509152_?)dup

Gene: CFTR (CF transmembrane conductance regulator; plus strand). Cytogenetic location: 7q31.2.
Variant type: Duplication.
Identifiers: ClinVar variation 831863 (VCV000831863.4).

ClinVar aggregate classification (germline): Likely pathogenic (1 of 4 stars; one submission).

Conditions:
Cystic fibrosis (CF). Also called: MUCOVISCIDOSIS. Identifiers: Orphanet 586, MedGen C0010674, MONDO:0009061, OMIM 219700. Disease mechanism: loss of function.

Submission:

Labcorp Genetics (formerly Invitae), Labcorp
Classification: Likely pathogenic for Cystic fibrosis. Last evaluated: 2019-10-08. Review status: criteria provided, single submitter. Criteria: Invitae Variant Classification Sherloc (09022015). Collection method: clinical testing. Allele origin: germline.
Comment: This variant results in a copy number gain of the genomic region encompassing exon 3 of the CFTR gene. While the exact position of this variant cannot be determined from this data, sub-genic copy number gains are generally in tandem (PMID: 25640679) and may result in an absent or disrupted protein product. This variant has not been reported in the literature in individuals with CFTR-related conditions. Loss-of-function variants in CFTR are known to be pathogenic (PMID: 1695717, 7691345, 9725922). In summary, the currently available evidence indicates that the variant is pathogenic, but additional data are needed to prove that conclusively. Therefore, this variant has been classified as Likely Pathogenic.

Literature cited by the submitters: PubMed 25640679; PubMed 1695717; PubMed 7691345; PubMed 9725922.